The following is an entry in ClinVar:

ClinVar aggregate classification (germline): Likely pathogenic (1 of 4 stars; one submission).

Conditions:
Diamond-Blackfan anemia 21. Identifiers: MedGen C5774230, MONDO:0031071, OMIM 620072.

Submission:

Diagnostics Services (NGS), CSIR - Centre For Cellular And Molecular Biology
Classification: Likely pathogenic for Diamond-Blackfan anemia 21. Last evaluated: 2026-08-06. Review status: criteria provided, single submitter. Criteria: ACMG Guidelines, 2015. Collection method: clinical testing. Allele origin: germline. Affected: no. Observed: 1 variant allele, 1 heterozygote.

NM_182922.4(HEATR3):c.805C>T (p.Gln269Ter)

Gene: HEATR3 (HEAT repeat containing 3; plus strand). Cytogenetic location: 16q12.1.
Variant type: single nucleotide variant.
Coding change: c.805C>T on transcript NM_182922.4 (MANE Select); coding-DNA position 805, C replaced by T.
Protein change: p.Gln269Ter; replaces glutamine 269 with a stop codon.
Molecular consequence: nonsense. On other transcripts: non-coding transcript variant (2).
Genome position (GRCh38, 1-based): chr16:50,078,782, C>T. VCF-style: chr16-50078782-C-T. GRCh37 (hg19) VCF-style: chr16-50112693-C-T.
Other names: c.454C>T, p.Gln152Ter (NM_001329729.2, NM_001329730.2); c.112C>T, p.Gln38Ter (NM_001329731.2); short protein forms Q152*, Q269*, Q38*.
Identifiers: ClinVar variation 4974976 (VCV004974976.1).